The following is an entry in ClinVar:

NM_005334.3(HCFC1):c.2540G>A (p.Arg847His)

Gene: HCFC1 (host cell factor C1; minus strand). Cytogenetic location: Xq28.
Variant type: single nucleotide variant.
Coding change: c.2540G>A on transcript NM_005334.3 (MANE Select); coding-DNA position 2540, G replaced by A.
Protein change: p.Arg847His; replaces arginine 847 with histidine.
Molecular consequence: missense variant.
Genome position (GRCh38, 1-based): chrX:153,956,720, C>T on the plus strand (G>A on the coding strand, the complement: HCFC1 is on the minus strand). VCF-style: chrX-153956720-C-T. GRCh37 (hg19) VCF-style: chrX-153222171-C-T.
Other names: c.2540G>A, p.Arg847His (NM_001410705.1); short protein forms R847H.
Identifiers: ClinVar variation 3774658 (VCV003774658.1).
Genomic context (GRCh38, chrX:153,956,720, plus strand): 5'-GGCTTGACGGCGGAGACGGTGACGGGTGTGACCAGGCGAACACCCCCCATGGGCACAGTG[C>T]GGAGGATGGTGCCTGGCTGTCCCGGGGCCCCCTTAAGCACCACCTGGAACACCAGAGGAA-3'
Protein context (NP_005325.2, residues 837-857): GAPGQPGTIL[Arg847His]TVPMGGVRLV

ClinVar aggregate classification (germline): Uncertain significance (1 of 4 stars; one submission).

gnomAD v4.1: 2 of 1,211,385 alleles (0.00017%); highest among the groups gnomAD compares: Non-Finnish European, 0.00011%; no homozygotes.

Submission:

GeneDx
Classification: Uncertain significance. Last evaluated: 2024-09-25. Review status: criteria provided, single submitter. Criteria: GeneDx Variant Classification Process June 2021. Collection method: clinical testing. Allele origin: germline. Affected: yes.
Comment: Not observed at significant frequency in large population cohorts (gnomAD); In silico analysis indicates that this missense variant does not alter protein structure/function; Has not been previously published as pathogenic or benign to our knowledge